The following is an entry in ClinVar:

ClinVar aggregate classification (germline): Uncertain significance. Review status: criteria provided, multiple submitters, no conflicts (2 of 4 stars). 5 submissions from 5 submitters: Uncertain significance (4). 1 of the submissions does not count toward it. Last evaluated 2025-02-25.

Conditions:
Hereditary nonpolyposis colorectal neoplasms. Identifiers: MedGen C0009405, MeSH D003123.
Hereditary cancer-predisposing syndrome. Also called: Neoplastic Syndromes, Hereditary; Tumor predisposition; Hereditary Cancer Syndrome; Hereditary neoplastic syndrome. Identifiers: Orphanet 140162, MedGen C0027672, MeSH D009386, MONDO:0015356.

Submissions (5):

Molecular Diagnostics Laboratory, Catalan Institute of Oncology
Classification: Uncertain significance for Hereditary cancer-predisposing syndrome. Last evaluated: 2025-02-25. Review status: criteria provided, single submitter. Criteria: MMR VCEP Paper Draft V3.1. Collection method: clinical testing. Allele origin: germline.
Comment: PM2_Supporting, BP4 c.4075G>A located in exon 10 of the MSH6 gene, is predicted to result in the substitution of glutamic acid by lysine at codon 1359; p.(Glu1359Lys).It is not present in the population database gnomAD v2.1.1, non-cancer dataset (PM2_Supporting). Computational tools for this variant suggests no significant impact on splicing and does not affect the protein function (MAPP+PolyPhen-2 prior probability for pathogenicity: 0.0006)(BP4). To our knowledge, functional studies have not been reported for this variant. In addition, the variant has been reported in ClinVar (4x uncertain significance) but has not been identified neither in LOVD nor InSiGHT databases. Based on currently available information, the variant c.4075G>A is classified as an uncertain significance variant according to ClinGen-MMR Guidelines Draft v3.1.

Color Diagnostics, LLC DBA Color Health
Classification: Uncertain significance for Hereditary cancer-predisposing syndrome. Last evaluated: 2024-03-06. Review status: criteria provided, single submitter. Criteria: ACMG Guidelines, 2015. Collection method: clinical testing. Allele origin: germline.
Comment: This missense variant replaces glutamic acid with lysine at codon 1359 of the MSH6 protein. Computational prediction suggests that this variant may not impact protein structure and function (internally defined REVEL score threshold <= 0.5, PMID: 27666373). To our knowledge, functional studies have not been reported for this variant. This variant has not been reported in individuals affected with MSH6-related disorders in the literature. This variant has not been identified in the general population by the Genome Aggregation Database (gnomAD). The available evidence is insufficient to determine the role of this variant in disease conclusively. Therefore, this variant is classified as a Variant of Uncertain Significance.

Labcorp Genetics (formerly Invitae), Labcorp
Classification: Uncertain significance for Hereditary nonpolyposis colorectal neoplasms. Last evaluated: 2023-09-05. Review status: criteria provided, single submitter. Criteria: Invitae Variant Classification Sherloc (09022015). Collection method: clinical testing. Allele origin: germline.
Comment: ClinVar contains an entry for this variant (Variation ID: 142235). Advanced modeling of protein sequence and biophysical properties (such as structural, functional, and spatial information, amino acid conservation, physicochemical variation, residue mobility, and thermodynamic stability) performed at Invitae indicates that this missense variant is not expected to disrupt MSH6 protein function. In summary, the available evidence is currently insufficient to determine the role of this variant in disease. Therefore, it has been classified as a Variant of Uncertain Significance. This variant has not been reported in the literature in individuals affected with MSH6-related conditions. This sequence change replaces glutamic acid, which is acidic and polar, with lysine, which is basic and polar, at codon 1359 of the MSH6 protein (p.Glu1359Lys). This variant is not present in population databases (gnomAD no frequency).

Ambry Genetics
Classification: Uncertain significance for Hereditary cancer-predisposing syndrome. Last evaluated: 2018-10-04. Review status: criteria provided, single submitter. Criteria: Ambry Variant Classification Scheme 2023. Collection method: clinical testing. Allele origin: germline.
Comment: The p.E1359K variant (also known as c.4075G>A), located in coding exon 10 of the MSH6 gene, results from a G to A substitution at nucleotide position 4075. The glutamic acid at codon 1359 is replaced by lysine, an amino acid with similar properties. This amino acid position is not well conserved in available vertebrate species. In addition, this alteration is predicted to be tolerated by in silico analysis. In addition, the CoDP in silico tool predicts this alteration to have a minor impact on molecular function, with a score of 0.001 (Terui H et al. J. Biomed. Sci. 2013 Apr;20:25). Since supporting evidence is limited at this time, the clinical significance of this alteration remains unclear.

Mayo Clinic Laboratories, Mayo Clinic
Classification: Uncertain significance. Last evaluated: 2018-01-24. Review status: no assertion criteria provided. Collection method: clinical testing. Allele origin: unknown. Not counted in ClinVar's aggregate classification.

NM_000179.3(MSH6):c.4075G>A (p.Glu1359Lys)

Gene: MSH6 (mutS homolog 6; plus strand). Cytogenetic location: 2p16.3.
Variant type: single nucleotide variant.
Coding change: c.4075G>A on transcript NM_000179.3 (MANE Select); coding-DNA position 4075, G replaced by A.
Protein change: p.Glu1359Lys; replaces glutamic acid 1359 with lysine.
Molecular consequence: missense variant.
Genome position (GRCh38, 1-based): chr2:47,806,852, G>A. VCF-style: chr2-47806852-G-A. GRCh37 (hg19) VCF-style: chr2-48033991-G-A.
Other names: c.3685G>A, p.Glu1229Lys (NM_001281492.2); c.3169G>A, p.Glu1057Lys (NM_001281493.2, NM_001281494.2); short protein forms E1359K, E1057K, E1229K.
Identifiers: ClinVar variation 142235 (VCV000142235.20), dbSNP rs267608081, ClinGen allele CA015469.
Genomic context (GRCh38, chr2:47,806,852, plus strand): 5'-GCTAGTGAAAGGTCAACTGTAGATGCTGAAGCTGTCCATAAATTGCTGACTTTGATTAAG[G>A]AATTATAGACTGACTACATTGGAAGCTTTGAGTTGACTTCTGACAAAGGTGGTAAATTCA-3'
Protein context (NP_000170.1, residues 1349-1360): AVHKLLTLIK[Glu1359Lys]L